The following is an entry in ClinVar:

NM_001105206.3(LAMA4):c.2751T>G (p.Ile917Met)

Genes: LAMA4 (laminin subunit alpha 4; minus strand), LOC126859766 (MED14-independent group 3 enhancer GRCh37_chr6:112462018-112463217; plus strand). Cytogenetic location: 6q21.
Variant type: single nucleotide variant.
Coding change: c.2751T>G on transcript NM_001105206.3 (MANE Select); coding-DNA position 2751, T replaced by G.
Protein change: p.Ile917Met; replaces isoleucine 917 with methionine.
Molecular consequence: missense variant.
Genome position (GRCh38, 1-based): chr6:112,141,420, A>C on the plus strand (T>G on the coding strand, the complement: LAMA4 is on the minus strand). VCF-style: chr6-112141420-A-C. GRCh37 (hg19) VCF-style: chr6-112462622-A-C.
Other names: c.2730T>G, p.Ile910Met (NM_001105207.3, NM_002290.5); short protein forms I917M, I910M.
Identifiers: ClinVar variation 1500515 (VCV001500515.10), dbSNP rs1007533169, ClinGen allele CA144894874.

ClinVar aggregate classification (germline): Uncertain significance. Review status: criteria provided, multiple submitters, no conflicts (2 of 4 stars). 2 submissions from 2 submitters: Uncertain significance (2). Last evaluated 2022-09-26.

Conditions:
Dilated cardiomyopathy 1JJ (CMD1JJ). Identifiers: Orphanet 154, MedGen C3808935, MONDO:0014095, OMIM 615235.
Cardiovascular phenotype. Identifiers: MedGen CN230736.

Allele frequency attached by ClinVar (database versions not stated): TOPMed 0.00001.

Submissions (2):

Ambry Genetics
Classification: Uncertain significance for Cardiovascular phenotype. Last evaluated: 2022-09-26. Review status: criteria provided, single submitter. Criteria: Ambry Variant Classification Scheme 2023. Collection method: clinical testing. Allele origin: germline.
Comment: The p.I910M variant (also known as c.2730T>G), located in coding exon 20 of the LAMA4 gene, results from a T to G substitution at nucleotide position 2730. The isoleucine at codon 910 is replaced by methionine, an amino acid with highly similar properties. This amino acid position is conserved. In addition, the in silico prediction for this alteration is inconclusive. Since supporting evidence is limited at this time, the clinical significance of this alteration remains unclear.

Labcorp Genetics (formerly Invitae), Labcorp
Classification: Uncertain significance for Dilated cardiomyopathy 1JJ. Last evaluated: 2021-06-23. Review status: criteria provided, single submitter. Criteria: Invitae Variant Classification Sherloc (09022015). Collection method: clinical testing. Allele origin: germline.
Comment: This sequence change replaces isoleucine with methionine at codon 910 of the LAMA4 protein (p.Ile910Met). The isoleucine residue is highly conserved and there is a small physicochemical difference between isoleucine and methionine. This variant has not been reported in the literature in individuals with LAMA4-related conditions. This variant is not present in population databases (ExAC no frequency). Algorithms developed to predict the effect of missense changes on protein structure and function are either unavailable or do not agree on the potential impact of this missense change (SIFT: "Deleterious"; PolyPhen-2: "Probably Damaging"; Align-GVGD: "Class C0"). In summary, the available evidence is currently insufficient to determine the role of this variant in disease. Therefore, it has been classified as a Variant of Uncertain Significance.